The following is an entry in ClinVar:

ClinVar aggregate classification (germline): Uncertain significance. Review status: criteria provided, multiple submitters, no conflicts (2 of 4 stars). 2 submissions from 2 submitters: Uncertain significance (2). Last evaluated 2025-01-20.

Conditions:
Inborn genetic diseases. Identifiers: MedGen C0950123, MeSH D030342.

Allele frequency attached by ClinVar (database versions not stated): gnomAD 0.00001; ExAC 0.00002; TOPMed 0.00002; gnomAD exomes 0.00001.
gnomAD v4.1: 19 of 1,613,888 alleles (0.0012%); highest among the groups gnomAD compares: South Asian, 0.0044%; no homozygotes.

Submissions (2):

Ambry Genetics
Classification: Uncertain significance for Inborn genetic diseases. Last evaluated: 2025-01-20. Review status: criteria provided, single submitter. Criteria: Ambry Variant Classification Scheme 2023. Collection method: clinical testing. Allele origin: germline.

Labcorp Genetics (formerly Invitae), Labcorp
Classification: Uncertain significance. Last evaluated: 2022-07-11. Review status: criteria provided, single submitter. Criteria: Invitae Variant Classification Sherloc (09022015). Collection method: clinical testing. Allele origin: germline.
Comment: In summary, the available evidence is currently insufficient to determine the role of this variant in disease. Therefore, it has been classified as a Variant of Uncertain Significance. Algorithms developed to predict the effect of missense changes on protein structure and function are either unavailable or do not agree on the potential impact of this missense change (SIFT: "Not Available"; PolyPhen-2: "Probably Damaging"; Align-GVGD: "Not Available"). ClinVar contains an entry for this variant (Variation ID: 1495045). This variant has not been reported in the literature in individuals affected with ADAMTS18-related conditions. This variant is present in population databases (rs758594316, gnomAD 0.01%). This sequence change replaces arginine with histidine at codon 664 of the ADAMTS18 protein (p.Arg664His). The arginine residue is highly conserved and there is a small physicochemical difference between arginine and histidine.

NM_199355.4(ADAMTS18):c.1991G>A (p.Arg664His)

Gene: ADAMTS18 (ADAM metallopeptidase with thrombospondin type 1 motif 18; minus strand). Cytogenetic location: 16q23.1.
Variant type: single nucleotide variant.
Coding change: c.1991G>A on transcript NM_199355.4 (MANE Select); coding-DNA position 1991, G replaced by A.
Protein change: p.Arg664His; replaces arginine 664 with histidine.
Molecular consequence: missense variant.
Genome position (GRCh38, 1-based): chr16:77,325,907, C>T on the plus strand (G>A on the coding strand, the complement: ADAMTS18 is on the minus strand). VCF-style: chr16-77325907-C-T. GRCh37 (hg19) VCF-style: chr16-77359804-C-T.
Other names: c.1475G>A, p.Arg492His (NM_001326358.2); c.1991G>A (NM_199355.2); short protein forms R664H, R492H.
Identifiers: ClinVar variation 1495045 (VCV001495045.5), dbSNP rs758594316, ClinGen allele CA8181101.